The following is an entry in ClinVar:

ClinVar aggregate classification (germline): Uncertain significance (1 of 4 stars; one submission).

Conditions:
Inborn genetic diseases. Identifiers: MedGen C0950123, MeSH D030342.

Submission:

Ambry Genetics
Classification: Uncertain significance for Inborn genetic diseases. Last evaluated: 2024-05-24. Review status: criteria provided, single submitter. Criteria: Ambry Variant Classification Scheme 2023. Collection method: clinical testing. Allele origin: germline.
Comment: The p.P749A variant (also known as c.2245C>G), located in coding exon 17 of the BUB1B gene, results from a C to G substitution at nucleotide position 2245. The proline at codon 749 is replaced by alanine, an amino acid with highly similar properties. This amino acid position is conserved. In addition, this alteration is predicted to be tolerated by in silico analysis. Based on the available evidence, the clinical significance of this variant remains unclear.

NM_001211.6(BUB1B):c.2245C>G (p.Pro749Ala)

Gene: BUB1B (BUB1 mitotic checkpoint serine/threonine kinase B; plus strand). Cytogenetic location: 15q15.1.
Variant type: single nucleotide variant.
Coding change: c.2245C>G on transcript NM_001211.6 (MANE Select); coding-DNA position 2245, C replaced by G.
Protein change: p.Pro749Ala; replaces proline 749 with alanine.
Molecular consequence: missense variant.
Genome position (GRCh38, 1-based): chr15:40,209,736, C>G. VCF-style: chr15-40209736-C-G. GRCh37 (hg19) VCF-style: chr15-40501937-C-G.
Other names: short protein forms P749A.
Identifiers: ClinVar variation 3262267 (VCV003262267.1).
Genomic context (GRCh38, chr15:40,209,736, plus strand): 5'-CAGCTACTGAAGTCCCTACCAGAGTTAAGTGCCTCTGCAGAGTTGTGTATAGAAGACAGA[C>G]CAATGCCTAAGTTGGAAATTGAGAAGGAAATTGAATTAGGTAAGTACCATTGAACTCATG-3'
Protein context (NP_001202.5, residues 739-759): ASAELCIEDR[Pro749Ala]MPKLEIEKEI